The following is an entry in ClinVar:

ClinVar aggregate classification (germline): Pathogenic. Review status: criteria provided, multiple submitters, no conflicts (2 of 4 stars). 6 submissions from 6 submitters: Pathogenic (6). Last evaluated 2026-09-08.

Conditions:
Fabry disease. Also called: Ceramide trihexosidosis; Angiokeratoma corporis diffusum; ALPHA-GALACTOSIDASE A DEFICIENCY; ANDERSON-FABRY DISEASE; Fabry's disease; CERAMIDE TRIHEXOSIDASE DEFICIENCY. Identifiers: Orphanet 324, MedGen C0002986, MONDO:0010526, OMIM 301500, HP:0001071. Disease mechanism: Fabry disease is due to inactivating mutations in the X-linked GLA gene resulting in deficiency of the enzyme Alpha Galactosidase-A., loss of function.

Submissions (6):

Genomenon, Inc
Classification: Pathogenic for Fabry disease. Last evaluated: 2026-09-08. Review status: criteria provided, single submitter. Criteria: Genomenon Sequence Variant Interpretation Standards - Updated. Collection method: curation. Allele origin: germline. Affected: yes.
Comment: GLA p.Trp162Ter (c.485G>A) is a nonsense variant that introduces a premature stop codon at amino acid position 162 and is predicted to result in a truncated or absent protein product. This variant has been observed in at least one proband with clinical features consistent with Fabry disease (PMID:12428061;11322659;10649504;39182239;27585509). The variant was found to segregate with disease in at least one affected family (PMID:39182239;27585509). At least one functional study has demonstrated a substantial alteration in protein function relative to the wild-type (PMID:26415523). It is absent or not present at a significant frequency in gnomAD. In conclusion, we classify GLA p.Trp162Ter (c.485G>A) as a pathogenic variant.

Genetics Laboratory, Great Ormond Street Hospital NHS Foundation Trust, North Thames Genomic Laboratory Hub
Classification: Pathogenic for Fabry disease. Last evaluated: 2025-08-12. Review status: criteria provided, single submitter. Criteria: ACGS Best Practice Guidelines for Variant Classification in Rare Disease 2024 v1.2. Collection method: clinical testing. Allele origin: germline. Affected: yes.
Comment: PS4_moderate, PM2_moderate, PVS1_very-strong, PP4_strong

Labcorp Genetics (formerly Invitae), Labcorp
Classification: Pathogenic for Fabry disease. Last evaluated: 2025-07-02. Review status: criteria provided, single submitter. Criteria: Invitae Variant Classification Sherloc (09022015). Collection method: clinical testing. Allele origin: germline.
Comment: This sequence change creates a premature translational stop signal (p.Trp162*) in the GLA gene. It is expected to result in an absent or disrupted protein product. Loss-of-function variants in GLA are known to be pathogenic (PMID: 10666480, 12175777). This variant is not present in population databases (gnomAD no frequency). This premature translational stop signal has been observed in individuals with Fabry disease (PMID: 10649504, 11668641). ClinVar contains an entry for this variant (Variation ID: 196226). For these reasons, this variant has been classified as Pathogenic.

Genome-Nilou Lab
Classification: Pathogenic for Fabry disease. Last evaluated: 2021-07-15. Review status: criteria provided, single submitter. Criteria: ACMG Guidelines, 2015. Collection method: clinical testing. Allele origin: germline. Affected: no.

Women's Health and Genetics/Laboratory Corporation of America, LabCorp
Classification: Pathogenic for Fabry disease. Last evaluated: 2016-12-14. Review status: criteria provided, single submitter. Criteria: LabCorp Variant Classification Summary - May 2015. Collection method: clinical testing. Allele origin: germline.
Comment: Variant summary: The GLA c.485G>A (p.Trp162X) variant results in a premature termination codon, predicted to cause a truncated or absent GLA protein due to nonsense mediated decay, which are commonly known mechanisms for disease. The variant of interest was not observed in controls (ExAC, 1000 Gs, or ESP) and has been reported in multiple affected individuals including one family that female individuals in the family carrying the variant showed mild features including low levels of GLA activity. In addition, males carrying the variant of interest showed no GLA activity. In addition, a clinical diagnostic laboratory cites the variant as "pathogenic." Therefore, the variant of interest has been classified as "pathogenic."

Eurofins Ntd Llc (ga)
Classification: Pathogenic. Last evaluated: 2015-04-27. Review status: criteria provided, single submitter. Criteria: EGL Classification Definitions 2015. Collection method: clinical testing. Allele origin: germline. Observed: 2 variant alleles, 1 heterozygote, 1 hemizygote.

Literature cited by the submitters: PubMed 12428061 (cited by Genomenon, Inc); PubMed 11322659 (cited by Genomenon, Inc); PubMed 10649504 (cited by 3 submitters); PubMed 39182239 (cited by Genomenon, Inc); PubMed 27585509 (cited by Genomenon, Inc); PubMed 26415523 (cited by Genomenon, Inc and Women's Health and Genetics/Laboratory Corporation of America, LabCorp); PubMed 10666480 (cited by Labcorp Genetics (formerly Invitae), Labcorp); PubMed 12175777 (cited by Labcorp Genetics (formerly Invitae), Labcorp); PubMed 11668641 (cited by Labcorp Genetics (formerly Invitae), Labcorp and Women's Health and Genetics/Laboratory Corporation of America, LabCorp); PubMed 15776423 (cited by Women's Health and Genetics/Laboratory Corporation of America, LabCorp).

NM_000169.3(GLA):c.485G>A (p.Trp162Ter)

Genes: GLA (galactosidase alpha; minus strand), RPL36A-HNRNPH2 (RPL36A-HNRNPH2 readthrough; plus strand). Cytogenetic location: Xq22.1.
Variant type: single nucleotide variant.
Coding change: c.485G>A on transcript NM_000169.3 (MANE Select); coding-DNA position 485, G replaced by A.
Protein change: p.Trp162Ter; replaces tryptophan 162 with a stop codon.
Molecular consequence: nonsense. On other transcripts: non-coding transcript variant (3), intron variant (2).
Genome position (GRCh38, 1-based): chrX:101,401,694, C>T on the plus strand (G>A on the coding strand, the complement: GLA is on the minus strand). VCF-style: chrX-101401694-C-T. GRCh37 (hg19) VCF-style: chrX-100656682-C-T.
Other names: c.608G>A, p.Trp203Ter (NM_001406747.1, NM_001406749.1); c.485G>A, p.Trp162Ter (NM_001406748.1); c.300+6237C>T (NM_001199973.2); c.177+9872C>T (NM_001199974.2); short protein forms W162*, W203*.
Identifiers: ClinVar variation 196226 (VCV000196226.17), dbSNP rs727504350, ClinGen allele CA021753.